The following is an entry in ClinVar:

ClinVar aggregate classification (germline): Benign/Likely benign. Review status: criteria provided, multiple submitters, no conflicts (2 of 4 stars). 10 submissions from 10 submitters: Benign (6); Likely benign (2). 2 of the submissions do not count toward it. Last evaluated 2026-02-04.

Conditions:
Abetalipoproteinaemia (ABL). Also called: Abetalipoproteinemia; Abetalipoproteinemia neuropathy; Apolipoprotein B deficiency; Congenital betalipoprotein deficiency syndrome; MTP DEFICIENCY. Identifiers: Orphanet 14, MedGen C0000744, MONDO:0008692, OMIM 200100, HP:0008181.

Allele frequency attached by ClinVar (database versions not stated): gnomAD exomes 0.37588 and 0.39435; ExAC 0.40277; gnomAD 0.46870 and 0.47212; ESP Exome Variant Server 0.48954; TOPMed 0.49248; 1000 Genomes Project 30x 0.54122; 1000 Genomes Project 0.54233.
gnomAD v4.1: 621,925 of 1,612,596 alleles (39%); highest among the groups gnomAD compares: African/African-American, 76%; 130,556 homozygotes.

Submissions (10):

Labcorp Genetics (formerly Invitae), Labcorp
Classification: Benign. Last evaluated: 2026-02-04. Review status: criteria provided, single submitter. Criteria: Invitae Variant Classification Sherloc (09022015). Collection method: clinical testing. Allele origin: germline.

Blueprint Genetics
Classification: Benign. Last evaluated: 2024-11-27. Review status: criteria provided, single submitter. Criteria: ACMG Guidelines, 2015. Collection method: clinical testing. Allele origin: germline.

Mayo Clinic Laboratories, Mayo Clinic
Classification: Benign. Last evaluated: 2023-03-01. Review status: criteria provided, single submitter. Criteria: ACMG Guidelines, 2015. Collection method: clinical testing. Allele origin: germline. Observed: 1,061 variant alleles.
Comment: BA1

Genome-Nilou Lab
Classification: Benign for Abetalipoproteinaemia. Last evaluated: 2021-09-05. Review status: criteria provided, single submitter. Criteria: ACMG Guidelines, 2015. Collection method: clinical testing. Allele origin: germline. Affected: no.

Women's Health and Genetics/Laboratory Corporation of America, LabCorp
Classification: Likely benign. Last evaluated: 2019-09-19. Review status: criteria provided, single submitter. Criteria: LabCorp Variant Classification Summary - May 2015. Collection method: clinical testing. Allele origin: germline.

GeneDx
Classification: Benign. Last evaluated: 2018-08-30. Review status: criteria provided, single submitter. Criteria: GeneDx Variant Classification Process June 2021. Collection method: clinical testing. Allele origin: germline. Affected: yes.
Comment: This variant is associated with the following publications: (PMID: 30782561, 27487388, 26458397)

Illumina Laboratory Services, Illumina
Classification: Benign for Abetalipoproteinaemia. Last evaluated: 2018-01-13. Review status: criteria provided, single submitter. Criteria: ICSL Variant Classification Criteria 13 December 2019. Collection method: clinical testing. Allele origin: germline.
Comment: This variant was observed in the ICSL laboratory as part of a predisposition screen in an ostensibly healthy population. It had not been previously curated by ICSL or reported in the Human Gene Mutation Database (HGMD: prior to June 1st, 2018), and was therefore a candidate for classification through an automated scoring system. Utilizing variant allele frequency, disease prevalence and penetrance estimates, and inheritance mode, an automated score was calculated to assess if this variant is too frequent to cause the disease. Based on the score and internal cut-off values, a variant classified as benign is not then subjected to further curation. The score for this variant resulted in a classification of benign for this disease.

Breakthrough Genomics
Classification: Likely benign. Review status: criteria provided, single submitter. Criteria: ACMG Guidelines, 2015. Collection method: not provided. Allele origin: germline. Inheritance: Autosomal recessive inheritance. Affected: yes.

Natera, Inc.
Classification: Benign for Abetalipoproteinemia. Last evaluated: 2019-11-19. Review status: no assertion criteria provided. Collection method: clinical testing. Allele origin: germline. Not counted in ClinVar's aggregate classification.

Genetic Services Laboratory, University of Chicago
Classification: Likely benign for AllHighlyPenetrant. Review status: no assertion criteria provided. Collection method: clinical testing. Allele origin: germline. Not counted in ClinVar's aggregate classification.
Comment: Likely benign based on allele frequency in 1000 Genomes Project or ESP global frequency and its presence in a patient with a rare or unrelated disease phenotype. NOT Sanger confirmed.

NM_001386140.1(MTTP):c.891C>G (p.His297Gln)

Gene: MTTP (microsomal triglyceride transfer protein; plus strand). Cytogenetic location: 4q23.
Variant type: single nucleotide variant.
Coding change: c.891C>G on transcript NM_001386140.1 (MANE Select); coding-DNA position 891, C replaced by G.
Protein change: p.His297Gln; replaces histidine 297 with glutamine.
Molecular consequence: missense variant.
Genome position (GRCh38, 1-based): chr4:99,594,865, C>G. VCF-style: chr4-99594865-C-G. GRCh37 (hg19) VCF-style: chr4-100516022-C-G.
Other names: c.891C>G, p.His297Gln (NM_000253.4); c.642C>G, p.His214Gln (NM_001300785.2); short protein forms H297Q, H214Q.
Identifiers: ClinVar variation 129628 (VCV000129628.28), dbSNP rs2306985, ClinGen allele CA153731.